The following is an entry in ClinVar:

ClinVar aggregate classification (germline): Likely benign (1 of 4 stars; one submission).

Submission:

CeGaT Center for Human Genetics Tuebingen
Classification: Likely benign. Last evaluated: 2026-02-01. Review status: criteria provided, single submitter. Criteria: CeGaT Center For Human Genetics Tuebingen Variant Classification Criteria Version 2. Collection method: clinical testing. Allele origin: germline. Affected: yes. Observed: 1 variant allele.
Comment: RAI1: PP3, BS2

NM_030665.4(RAI1):c.-150_-149+17dup

Gene: RAI1 (retinoic acid induced 1; plus strand). Cytogenetic location: 17p11.2.
Variant type: Duplication.
Coding change: c.-150_-149+17dup on transcript NM_030665.4 (MANE Select); 150 bases upstream of the start codon through 17 bases into the intron after 149 bases upstream of the start codon, 19 bases duplicated (AGGTGAGCAGCGAGCGCCG).
Molecular consequence: splice donor variant.
Genome position (GRCh38, 1-based): chr17:17,681,792-17,681,810, AGGTGAGCAGCGAGCGCCG duplicated; duplicating any 19 consecutive bases within chr17:17,681,786-17,681,810 gives the same sequence; the c. name uses the placement nearest the transcript's 3' end. VCF-style (leftmost placement, unchanged base first): chr17-17681785-G-GGCGCCGAGGTGAGCAGCGA. GRCh37 (hg19) VCF-style: chr17-17585099-G-GGCGCCGAGGTGAGCAGCGA.
Identifiers: ClinVar variation 4822937 (VCV004822937.4).